The following is an entry in ClinVar:

ClinVar aggregate classification (germline): Uncertain significance (1 of 4 stars; one submission).

Conditions:
Baller-Gerold syndrome (BGS). Also called: CRANIOSYNOSTOSIS WITH RADIAL DEFECTS. Identifiers: Orphanet 1225, MedGen C0265308, MONDO:0009039, OMIM 218600.

Allele frequency attached by ClinVar (database versions not stated): gnomAD 0.00001.

Submission:

Labcorp Genetics (formerly Invitae), Labcorp
Classification: Uncertain significance for Baller-Gerold syndrome. Last evaluated: 2023-05-19. Review status: criteria provided, single submitter. Criteria: Invitae Variant Classification Sherloc (09022015). Collection method: clinical testing. Allele origin: germline.
Comment: Advanced modeling of protein sequence and biophysical properties (such as structural, functional, and spatial information, amino acid conservation, physicochemical variation, residue mobility, and thermodynamic stability) performed at Invitae indicates that this missense variant is not expected to disrupt RECQL4 protein function. In summary, the available evidence is currently insufficient to determine the role of this variant in disease. Therefore, it has been classified as a Variant of Uncertain Significance. This variant has not been reported in the literature in individuals affected with RECQL4-related conditions. This variant is not present in population databases (gnomAD no frequency). This sequence change replaces aspartic acid, which is acidic and polar, with asparagine, which is neutral and polar, at codon 1137 of the RECQL4 protein (p.Asp1137Asn).

NM_004260.4(RECQL4):c.3409G>A (p.Asp1137Asn)

Gene: RECQL4 (RecQ like helicase 4; minus strand). Cytogenetic location: 8q24.3.
Variant type: single nucleotide variant.
Coding change: c.3409G>A on transcript NM_004260.4 (MANE Select); coding-DNA position 3409, G replaced by A.
Protein change: p.Asp1137Asn; replaces aspartic acid 1137 with asparagine.
Molecular consequence: missense variant. On other transcripts: non-coding transcript variant (3).
Genome position (GRCh38, 1-based): chr8:144,511,774, C>T on the plus strand (G>A on the coding strand, the complement: RECQL4 is on the minus strand). VCF-style: chr8-144511774-C-T. GRCh37 (hg19) VCF-style: chr8-145737157-C-T.
Other names: c.3115G>A, p.Asp1039Asn (NM_001413017.1); c.3211G>A, p.Asp1071Asn (NM_001413018.1); c.3484G>A, p.Asp1162Asn (NM_001413019.1); c.3313G>A, p.Asp1105Asn (NM_001413020.1); c.2338G>A, p.Asp780Asn (NM_001413021.1, NM_001413022.1, NM_001413024.1 and 4 more transcripts); c.2413G>A, p.Asp805Asn (NM_001413023.1); c.3280G>A, p.Asp1094Asn (NM_001413025.1); c.2272G>A, p.Asp758Asn (NM_001413027.1, NM_001413030.1, NM_001413032.1); and 9 more; short protein forms D1039N, D1093N, D1127N, D1020N, D1071N, D1105N, D1162N, D758N.
Identifiers: ClinVar variation 2738436 (VCV002738436.3), dbSNP rs1827256203, ClinGen allele CA372667514.